The following is an entry in ClinVar:

NM_000377.3(WAS):c.593C>T (p.Ala198Val)

Gene: WAS (WASP actin nucleation promoting factor; plus strand). Cytogenetic location: Xp11.23.
Variant type: single nucleotide variant.
Coding change: c.593C>T on transcript NM_000377.3 (MANE Select); coding-DNA position 593, C replaced by T.
Protein change: p.Ala198Val; replaces alanine 198 with valine.
Molecular consequence: missense variant.
Genome position (GRCh38, 1-based): chrX:48,686,814, C>T. VCF-style: chrX-48686814-C-T. GRCh37 (hg19) VCF-style: chrX-48545203-C-T.
Other names: c.593C>T (NM_000377.2); short protein forms A198V.
Identifiers: ClinVar variation 1593460 (VCV001593460.12), dbSNP rs200261212, ClinGen allele CA10403959.

ClinVar aggregate classification (germline): Conflicting classifications of pathogenicity. Review status: criteria provided, conflicting classifications (1 of 4 stars). 4 submissions from 4 submitters: Uncertain significance (1); Benign (1); Likely benign (2). Last evaluated 2025-06-17.

Conditions:
Inborn genetic diseases. Identifiers: MedGen C0950123, MeSH D030342.
Wiskott-Aldrich syndrome (WAS). Also called: ALDRICH SYNDROME; IMMUNODEFICIENCY 2; WISKOTT-ALDRICH SYNDROME 1; Wiskott-aldrich syndrome, somatic. Identifiers: Orphanet 906, MedGen C0043194, MONDO:0010518, OMIM 301000.
X-linked severe congenital neutropenia (SCNX). Identifiers: Orphanet 86788, MedGen C1845987, MONDO:0010294, OMIM 300299.
Thrombocytopenia 1. Also called: THROMBOCYTOPENIA, X-LINKED, 1; X-Linked Thrombocytopenia (XLT); X-linked thrombocytopenia with normal platelets. Identifiers: Orphanet 268322, Orphanet 852, MedGen C1839163, MONDO:0010743, OMIM 313900.

Allele frequency attached by ClinVar (database versions not stated): ExAC 0.00005; gnomAD 0.00008 and 0.00011; TOPMed 0.00008; ESP Exome Variant Server 0.00009.
gnomAD v4.1: 28 of 1,210,027 alleles (0.0023%); highest among the groups gnomAD compares: Middle Eastern, 0.048%; no homozygotes.

Submissions (4):

Labcorp Genetics (formerly Invitae), Labcorp
Classification: Likely benign for Wiskott-Aldrich syndrome; X-linked severe congenital neutropenia; Thrombocytopenia 1. Last evaluated: 2025-06-17. Review status: criteria provided, single submitter. Criteria: Invitae Variant Classification Sherloc (09022015). Collection method: clinical testing. Allele origin: germline.

Laboratory of Genetics, Children's Clinical University Hospital Latvia
Classification: Benign. Last evaluated: 2025-02-16. Review status: criteria provided, single submitter. Criteria: ACMG Guidelines, 2015. Collection method: clinical testing. Allele origin: germline. Affected: yes.

Women's Health and Genetics/Laboratory Corporation of America, LabCorp
Classification: Uncertain significance. Last evaluated: 2025-01-14. Review status: criteria provided, single submitter. Criteria: LabCorp Variant Classification Summary - May 2015. Collection method: clinical testing. Allele origin: germline.
Comment: Variant summary: WAS c.593C>T (p.Ala198Val) results in a non-conservative amino acid change in the encoded protein sequence. Three of five in-silico tools predict a benign effect of the variant on protein function. The variant allele was found at a frequency of 2.7e-05 in 183278 control chromosomes. The available data on variant occurrences in the general population are insufficient to allow any conclusion about variant significance. To our knowledge, no occurrence of c.593C>T in individuals affected with Wiskott-Aldrich Syndrome and no experimental evidence demonstrating its impact on protein function have been reported. ClinVar contains an entry for this variant (Variation ID: 1593460). Based on the evidence outlined above, the variant was classified as uncertain significance.

Ambry Genetics
Classification: Likely benign for Inborn genetic diseases. Last evaluated: 2024-06-22. Review status: criteria provided, single submitter. Criteria: Ambry Variant Classification Scheme 2023. Collection method: clinical testing. Allele origin: germline.